The following is an entry in ClinVar:

NM_020975.6(RET):c.1594G>T (p.Gly532Cys)

Gene: RET (ret proto-oncogene; plus strand). Cytogenetic location: 10q11.21.
Variant type: single nucleotide variant.
Coding change: c.1594G>T on transcript NM_020975.6 (MANE Select); coding-DNA position 1594, G replaced by T.
Protein change: p.Gly532Cys; replaces glycine 532 with cysteine.
Molecular consequence: missense variant.
Genome position (GRCh38, 1-based): chr10:43,112,170, G>T. VCF-style: chr10-43112170-G-T. GRCh37 (hg19) VCF-style: chr10-43607618-G-T.
Other names: c.832G>T, p.Gly278Cys (NM_001355216.2); c.1594G>T, p.Gly532Cys (NM_001406743.1, NM_001406744.1, NM_001406759.1 and 4 more transcripts); c.1465G>T, p.Gly489Cys (NM_001406761.1, NM_001406762.1, NM_001406764.1 and 1 more transcripts); c.1306G>T, p.Gly436Cys (NM_001406766.1, NM_001406767.1, NM_001406770.1); c.1198G>T, p.Gly400Cys (NM_001406769.1, NM_001406772.1); c.1156G>T, p.Gly386Cys (NM_001406771.1, NM_001406773.1); c.1069G>T, p.Gly357Cys (NM_001406774.1); c.868G>T, p.Gly290Cys (NM_001406775.1, NM_001406776.1, NM_001406777.1 and 1 more transcripts); and 5 more; short protein forms G233C, G489C, G532C, G202C, G386C, G400C, G49C, G137C.
Identifiers: ClinVar variation 4545450 (VCV004545450.2).
Genomic context (GRCh38, chr10:43,112,170, plus strand): 5'-GAGGCGGGCTGCCCCCTGTCCTGTGCAGTCAGCAAGAGACGGCTGGAGTGTGAGGAGTGT[G>T]GCGGCCTGGGCTCCCCAACAGGCAGGTGTGAGTGGAGGCAAGGAGATGGCAAAGGTAAGC-3'
Protein context (NP_066124.1, residues 522-542): SKRRLECEEC[Gly532Cys]GLGSPTGRCE

ClinVar aggregate classification (germline): Uncertain significance. Review status: criteria provided, multiple submitters, no conflicts (2 of 4 stars). 2 submissions from 2 submitters: Uncertain significance (2). Last evaluated 2025-10-06.

Conditions:
Multiple endocrine neoplasia, type 2 (MEN2). Identifiers: Orphanet 653, MedGen C4048306, MONDO:0019003. Disease mechanism: gain of function.
Hereditary cancer-predisposing syndrome. Also called: Tumor predisposition; Hereditary Cancer Syndrome; Hereditary neoplastic syndrome; Neoplastic Syndromes, Hereditary. Identifiers: Orphanet 140162, MedGen C0027672, MeSH D009386, MONDO:0015356.

Submissions (2):

Ambry Genetics
Classification: Uncertain significance for Hereditary cancer-predisposing syndrome. Last evaluated: 2025-10-06. Review status: criteria provided, single submitter. Criteria: Ambry Variant Classification Scheme 2023. Collection method: clinical testing. Allele origin: germline.
Comment: The p.G532C variant (also known as c.1594G>T), located in coding exon 8 of the RET gene, results from a G to T substitution at nucleotide position 1594. The glycine at codon 532 is replaced by cysteine, an amino acid with highly dissimilar properties. This amino acid position is conserved. In addition, the in silico prediction for this alteration is inconclusive. Based on the available evidence, the clinical significance of this variant remains unclear.

Labcorp Genetics (formerly Invitae), Labcorp
Classification: Uncertain significance for Multiple endocrine neoplasia, type 2. Last evaluated: 2025-07-29. Review status: criteria provided, single submitter. Criteria: Invitae Variant Classification Sherloc (09022015). Collection method: clinical testing. Allele origin: germline.
Comment: This sequence change replaces glycine, which is neutral and non-polar, with cysteine, which is neutral and slightly polar, at codon 532 of the RET protein (p.Gly532Cys). This variant is not present in population databases (gnomAD no frequency). This variant has not been reported in the literature in individuals affected with RET-related conditions. An algorithm developed to predict the effect of missense changes on protein structure and function (PolyPhen-2) suggests that this variant is likely to be disruptive. In summary, the available evidence is currently insufficient to determine the role of this variant in disease. Therefore, it has been classified as a Variant of Uncertain Significance.